The following is an entry in ClinVar:

ClinVar aggregate classification (germline): Likely benign (1 of 4 stars; one submission).

Conditions:
Fraser syndrome 2 (FRASRS2). Identifiers: MedGen C4540036, MONDO:0054738, OMIM 617666.

Allele frequency attached by ClinVar (database versions not stated): TOPMed 0.00001; 1000 Genomes Project 30x 0.00047; 1000 Genomes Project 0.00060.

Submission:

Illumina Laboratory Services, Illumina
Classification: Likely benign for Fraser syndrome 2. Last evaluated: 2018-01-13. Review status: criteria provided, single submitter. Criteria: ICSL Variant Classification Criteria 13 December 2019. Collection method: clinical testing. Allele origin: germline.
Comment: This variant was observed in the ICSL laboratory as part of a predisposition screen in an ostensibly healthy population. It had not been previously curated by ICSL or reported in the Human Gene Mutation Database (HGMD: prior to June 1st, 2018), and was therefore a candidate for classification through an automated scoring system. Utilizing variant allele frequency, disease prevalence and penetrance estimates, and inheritance mode, an automated score was calculated to assess if this variant is too frequent to cause the disease. Based on the score and internal cut-off values, a variant classified as likely benign is not then subjected to further curation. The score for this variant resulted in a classification of likely benign for this disease.

NM_207361.6(FREM2):c.*2296T>C

Gene: FREM2 (FRAS1 related extracellular matrix 2; plus strand). Cytogenetic location: 13q13.3.
Variant type: single nucleotide variant.
Coding change: c.*2296T>C on transcript NM_207361.6 (MANE Select); 2296 bases downstream of the stop codon, T replaced by C.
Molecular consequence: 3 prime UTR variant.
Genome position (GRCh38, 1-based): chr13:38,883,083, T>C. VCF-style: chr13-38883083-T-C. GRCh37 (hg19) VCF-style: chr13-39457220-T-C.
Identifiers: ClinVar variation 312068 (VCV000312068.5), dbSNP rs539188773, ClinGen allele CA10639513.